The following is an entry in ClinVar:

ClinVar aggregate classification (germline): Pathogenic. Review status: criteria provided, multiple submitters, no conflicts (2 of 4 stars). 2 submissions from 2 submitters: Pathogenic (2). Last evaluated 2022-02-11.

Conditions:
Hereditary breast ovarian cancer syndrome. Also called: Hereditary breast and ovarian cancer; Hereditary breast and ovarian cancer syndrome (HBOC); Breast and ovarian cancer; Hereditary breast and ovarian cancer syndrome; Hereditary breast and/or ovarian cancer syndrome; BRCA1- and BRCA2-Associated Hereditary Breast and Ovarian Cancer. Identifiers: Orphanet 145, MedGen C0677776, MeSH D061325, MONDO:0003582. Disease mechanism: loss of function.
Hereditary cancer-predisposing syndrome. Also called: Tumor predisposition; Neoplastic Syndromes, Hereditary; Hereditary Cancer Syndrome; Hereditary neoplastic syndrome. Identifiers: Orphanet 140162, MedGen C0027672, MeSH D009386, MONDO:0015356.

Submissions (2):

Ambry Genetics
Classification: Pathogenic for Hereditary cancer-predisposing syndrome. Last evaluated: 2022-02-11. Review status: criteria provided, single submitter. Criteria: Ambry Variant Classification Scheme 2023. Collection method: clinical testing. Allele origin: germline.
Comment: The c.313_314delTT pathogenic mutation, located in coding exon 2 of the BRCA2 gene, results from a deletion of two nucleotides at nucleotide positions 313 to 314, causing a translational frameshift with a predicted alternate stop codon (p.L105Rfs*7). This variant is considered to be rare based on population cohorts in the Genome Aggregation Database (gnomAD). This alteration is expected to result in loss of function by premature protein truncation or nonsense-mediated mRNA decay. As such, this alteration is interpreted as a disease-causing mutation.

Labcorp Genetics (formerly Invitae), Labcorp
Classification: Pathogenic for Hereditary breast ovarian cancer syndrome. Last evaluated: 2021-08-12. Review status: criteria provided, single submitter. Criteria: Invitae Variant Classification Sherloc (09022015). Collection method: clinical testing. Allele origin: germline.
Comment: This variant has not been reported in the literature in individuals affected with BRCA2-related conditions. This variant is not present in population databases (ExAC no frequency). This sequence change creates a premature translational stop signal (p.Leu105Argfs*7) in the BRCA2 gene. It is expected to result in an absent or disrupted protein product. Loss-of-function variants in BRCA2 are known to be pathogenic (PMID: 20104584). For these reasons, this variant has been classified as Pathogenic.

Literature cited by the submitters: PubMed 20104584 (cited by Labcorp Genetics (formerly Invitae), Labcorp).

NM_000059.4(BRCA2):c.313_314del (p.Leu105fs)

Gene: BRCA2 (BRCA2 DNA repair associated; plus strand). Cytogenetic location: 13q13.1.
Variant type: Deletion.
Coding change: c.313_314del on transcript NM_000059.4 (MANE Select); coding-DNA positions 313 to 314, 2 bases deleted (TT; older notation c.313_314delTT).
Protein change: p.Leu105fs; shifts the reading frame from leucine 105.
Molecular consequence: frameshift variant.
Genome position (GRCh38, 1-based): chr13:32,319,322-32,319,323, TT deleted. VCF-style (leftmost placement, unchanged base first): chr13-32319321-CTT-C. GRCh37 (hg19) VCF-style: chr13-32893458-CTT-C.
Other names: short protein forms L105fs.
Identifiers: ClinVar variation 1453386 (VCV001453386.8), dbSNP rs2138705929, ClinGen allele CA2573149310.